The following is an entry in ClinVar:

ClinVar aggregate classification (germline): Uncertain significance (1 of 4 stars; one submission).

Conditions:
Ataxia-telangiectasia syndrome (AT). Also called: LOUIS-BAR SYNDROME; Cerebello-oculocutaneous telangiectasia; Immunodeficiency with ataxia telangiectasia; Ataxia telangiectasia (A-T); Ataxia-telangiectasia, complementation group D; AT, COMPLEMENTATION GROUP C. Identifiers: Orphanet 100, MedGen C0004135, MONDO:0008840, OMIM 208900.

Submission:

Labcorp Genetics (formerly Invitae), Labcorp
Classification: Uncertain significance for Ataxia-telangiectasia syndrome. Last evaluated: 2023-05-27. Review status: criteria provided, single submitter. Criteria: Invitae Variant Classification Sherloc (09022015). Collection method: clinical testing. Allele origin: germline.
Comment: In summary, the available evidence is currently insufficient to determine the role of this variant in disease. Therefore, it has been classified as a Variant of Uncertain Significance. Experimental studies and prediction algorithms are not available or were not evaluated, and the functional significance of this variant is currently unknown. This variant has not been reported in the literature in individuals affected with ATM-related conditions. Information on the frequency of this variant in the gnomAD database is not available, as this variant may be reported differently in the database. This sequence change replaces glutamine, which is neutral and polar, with lysine, which is basic and polar, at codon 2069 of the ATM protein (p.Gln2069Lys).

NM_000051.4(ATM):c.6204_6205delinsAA (p.Gln2069Lys)

Genes: ATM (ATM serine/threonine kinase; plus strand), C11orf65 (chromosome 11 open reading frame 65; minus strand). Cytogenetic location: 11q22.3.
Variant type: Indel.
Coding change: c.6204_6205delinsAA on transcript NM_000051.4 (MANE Select); coding-DNA positions 6204 to 6205, GC replaced by AA.
Protein change: p.Gln2069Lys; replaces glutamine 2069 with lysine.
Molecular consequence: missense variant. On other transcripts: intron variant (2).
Genome position (GRCh38, 1-based): chr11:108,317,378-108,317,379, GC replaced by AA. VCF-style: chr11-108317378-GC-AA. GRCh37 (hg19) VCF-style: chr11-108188105-GC-AA.
Other names: c.6204_6205delinsAA, p.Gln2069Lys (NM_001351834.2); c.641-8308_641-8307delinsTT (NM_001330368.2); c.*39-8308_*39-8307delinsTT (NM_001351110.2); short protein forms Q2069K.
Identifiers: ClinVar variation 2734370 (VCV002734370.3), dbSNP rs2547113195, ClinGen allele CA2697558927.